The following is an entry in ClinVar:

ClinVar aggregate classification (germline): Uncertain significance (1 of 4 stars; one submission).

Submission:

Labcorp Genetics (formerly Invitae), Labcorp
Classification: Uncertain significance. Last evaluated: 2022-02-05. Review status: criteria provided, single submitter. Criteria: Invitae Variant Classification Sherloc (09022015). Collection method: clinical testing. Allele origin: germline.
Comment: In summary, the available evidence is currently insufficient to determine the role of this variant in disease. Therefore, it has been classified as a Variant of Uncertain Significance. Experimental studies and prediction algorithms are not available or were not evaluated, and the functional significance of this variant is currently unknown. ClinVar contains an entry for this variant (Variation ID: 1060598). This variant has not been reported in the literature in individuals affected with DSG1-related conditions. Information on the frequency of this variant in the gnomAD database is not available, as this variant may be reported differently in the database. This variant, c.2859_2860delinsTT, is a complex sequence change that results in the deletion of 2 and insertion of 2 amino acid(s) in the DSG1 protein (p.Glu953_Arg954delinsAspTrp).

NM_001942.4(DSG1):c.2859_2860delinsTT (p.Glu953_Arg954delinsAspTrp)

Genes: DSG1 (desmoglein 1; plus strand), DSG1-AS1 (DSG1 antisense RNA 1; minus strand). Cytogenetic location: 18q12.1.
Variant type: Indel.
Coding change: c.2859_2860delinsTT on transcript NM_001942.4 (MANE Select); coding-DNA positions 2859 to 2860, GA replaced by TT.
Protein change: p.Glu953_Arg954delinsAspTrp.
Molecular consequence: missense variant.
Genome position (GRCh38, 1-based): chr18:31,355,055-31,355,056, GA replaced by TT. VCF-style: chr18-31355055-GA-TT. GRCh37 (hg19) VCF-style: chr18-28935018-GA-TT.
Identifiers: ClinVar variation 1060598 (VCV001060598.9), dbSNP rs2144128339, ClinGen allele CA2499225120.